The following is an entry in ClinVar:

NM_001292034.3(TAB2):c.730C>T (p.Pro244Ser)

Genes: TAB2 (TGF-beta activated kinase 1 (MAP3K7) binding protein 2; plus strand), LOC126859827 (BRD4-independent group 4 enhancer GRCh37_chr6:149699707-149700906; plus strand). Cytogenetic location: 6q25.1.
Variant type: single nucleotide variant.
Coding change: c.730C>T on transcript NM_001292034.3 (MANE Select); coding-DNA position 730, C replaced by T.
Protein change: p.Pro244Ser; replaces proline 244 with serine.
Molecular consequence: missense variant.
Genome position (GRCh38, 1-based): chr6:149,378,645, C>T. VCF-style: chr6-149378645-C-T. GRCh37 (hg19) VCF-style: chr6-149699781-C-T.
Other names: c.634C>T, p.Pro212Ser (NM_001292035.3); c.730C>T, p.Pro244Ser (NM_001369506.1, NM_015093.6); short protein forms P244S, P212S.
Identifiers: ClinVar variation 1480751 (VCV001480751.6), dbSNP rs2114884926, ClinGen allele CA365996566.

ClinVar aggregate classification (germline): Uncertain significance (1 of 4 stars; one submission).

Allele frequency attached by ClinVar (database versions not stated): gnomAD exomes below 0.00001.
gnomAD v4.1: 2 of 1,613,396 alleles (0.00012%); highest among the groups gnomAD compares: Non-Finnish European, 0.00017%; no homozygotes.

Submission:

Labcorp Genetics (formerly Invitae), Labcorp
Classification: Uncertain significance. Last evaluated: 2022-08-09. Review status: criteria provided, single submitter. Criteria: Invitae Variant Classification Sherloc (09022015). Collection method: clinical testing. Allele origin: germline.
Comment: Algorithms developed to predict the effect of missense changes on protein structure and function output the following: SIFT: "Tolerated"; PolyPhen-2: "Benign"; Align-GVGD: "Class C0". The serine amino acid residue is found in multiple mammalian species, which suggests that this missense change does not adversely affect protein function. ClinVar contains an entry for this variant (Variation ID: 1480751). This variant has not been reported in the literature in individuals affected with TAB2-related conditions. This variant is not present in population databases (gnomAD no frequency). This sequence change replaces proline, which is neutral and non-polar, with serine, which is neutral and polar, at codon 244 of the TAB2 protein (p.Pro244Ser). In summary, the available evidence is currently insufficient to determine the role of this variant in disease. Therefore, it has been classified as a Variant of Uncertain Significance.